The following is an entry in ClinVar:

NM_139076.3(ABRAXAS1):c.186G>C (p.Gln62His)

Gene: ABRAXAS1 (abraxas 1, BRCA1 A complex subunit; minus strand). Cytogenetic location: 4q21.23.
Variant type: single nucleotide variant.
Coding change: c.186G>C on transcript NM_139076.3 (MANE Select); coding-DNA position 186, G replaced by C.
Protein change: p.Gln62His; replaces glutamine 62 with histidine.
Molecular consequence: missense variant. On other transcripts: 5 prime UTR variant (1).
Genome position (GRCh38, 1-based): chr4:83,476,672, C>G on the plus strand (G>C on the coding strand, the complement: ABRAXAS1 is on the minus strand). VCF-style: chr4-83476672-C-G. GRCh37 (hg19) VCF-style: chr4-84397825-C-G.
Other names: c.-75G>C (NM_001345962.2); short protein forms Q62H.
Identifiers: ClinVar variation 2450221 (VCV002450221.2), dbSNP rs2529452324, ClinGen allele CA357261594.

ClinVar aggregate classification (germline): Uncertain significance (1 of 4 stars; one submission).

Submission:

Ambry Genetics
Classification: Uncertain significance. Last evaluated: 2023-03-04. Review status: criteria provided, single submitter. Criteria: Ambry Variant Classification Scheme 2023. Collection method: clinical testing. Allele origin: germline.
Comment: The p.Q62H variant (also known as c.186G>C), located in coding exon 3 of the FAM175A gene, results from a G to C substitution at nucleotide position 186. The glutamine at codon 62 is replaced by histidine, an amino acid with highly similar properties. This amino acid position is conserved. In addition, the in silico prediction for this alteration is inconclusive. Since supporting evidence is limited at this time, the clinical significance of this alteration remains unclear.